The following is an entry in ClinVar:

ClinVar aggregate classification (germline): Uncertain significance. Review status: criteria provided, multiple submitters, no conflicts (2 of 4 stars). 3 submissions from 3 submitters: Uncertain significance (3). Last evaluated 2025-01-09.

Conditions:
Malignant hyperthermia, susceptibility to, 1 (MHS1). Also called: Anesthesia related hyperthermia; Malignant hyperpyrexia; Fulminating hyperpyrexia; Pharmacogenic myopathy; RYR1-Related Malignant Hyperthermia Susceptibility; Malignant hyperthermia suceptibility 1. Identifiers: Orphanet 423, MedGen C2930980, MONDO:0007783, OMIM 145600.
Inborn genetic diseases. Identifiers: MedGen C0950123, MeSH D030342.

gnomAD v4.1: 20 of 1,613,720 alleles (0.0012%); highest among the groups gnomAD compares: African/African-American, 0.0027%; no homozygotes.

Submissions (3):

Ambry Genetics
Classification: Uncertain significance for Inborn genetic diseases. Last evaluated: 2025-01-09. Review status: criteria provided, single submitter. Criteria: Ambry Variant Classification Scheme 2023. Collection method: clinical testing. Allele origin: germline.

Color Diagnostics, LLC DBA Color Health
Classification: Uncertain significance for Malignant hyperthermia, susceptibility to, 1. Last evaluated: 2024-07-02. Review status: criteria provided, single submitter. Criteria: ACMG Guidelines, 2015. Collection method: clinical testing. Allele origin: germline.
Comment: This missense variant replaces arginine with histidine at codon 1270 of the RYR1 protein. Computational prediction is inconclusive regarding the impact of this variant on protein structure and function. To our knowledge, functional studies have not been reported for this variant. This variant has not been reported in individuals affected with RYR1-related disorders in the literature. This variant has been identified in 4/249192 chromosomes in the general population by the Genome Aggregation Database (gnomAD). The available evidence is insufficient to determine the role of this variant in disease conclusively. Therefore, this variant is classified as a Variant of Uncertain Significance.

All of Us Research Program, National Institutes of Health
Classification: Uncertain significance for Malignant hyperthermia, susceptibility to, 1. Last evaluated: 2023-05-08. Review status: criteria provided, single submitter. Criteria: ACMG Guidelines, 2015. Collection method: clinical testing. Allele origin: germline. Inheritance: Autosomal dominant inheritance. Observed: 1 variant allele, 1 heterozygote.
Comment: This study involves interpretation of variants in research participants for the purpose of population health screening. Participant phenotype was not available at the time of variant classification. Additional details can be found in publication PMID: 35346344, PMCID: PMC8962531

NM_000540.3(RYR1):c.3809G>A (p.Arg1270His)

Gene: RYR1 (ryanodine receptor 1; plus strand). Cytogenetic location: 19q13.2.
Variant type: single nucleotide variant.
Coding change: c.3809G>A on transcript NM_000540.3 (MANE Select); coding-DNA position 3809, G replaced by A.
Protein change: p.Arg1270His; replaces arginine 1270 with histidine.
Molecular consequence: missense variant.
Genome position (GRCh38, 1-based): chr19:38,473,420, G>A. VCF-style: chr19-38473420-G-A. GRCh37 (hg19) VCF-style: chr19-38964060-G-A.
Other names: c.3809G>A, p.Arg1270His (NM_001042723.2); short protein forms R1270H.
Identifiers: ClinVar variation 3070932 (VCV003070932.3), dbSNP rs762397196, ClinGen allele CA308079599.